The following is an entry in ClinVar:

NM_004646.4(NPHS1):c.2886G>A (p.Lys962=)

Gene: NPHS1 (NPHS1 adhesion molecule, nephrin; minus strand). Cytogenetic location: 19q13.12.
Variant type: single nucleotide variant.
Coding change: c.2886G>A on transcript NM_004646.4 (MANE Select); coding-DNA position 2886, G replaced by A.
Protein change: p.Lys962=; no amino-acid change (lysine 962 retained).
Molecular consequence: synonymous variant.
Genome position (GRCh38, 1-based): chr19:35,839,537, C>T on the plus strand (G>A on the coding strand, the complement: NPHS1 is on the minus strand). VCF-style: chr19-35839537-C-T. GRCh37 (hg19) VCF-style: chr19-36330439-C-T.
Other names: c.2886G>A (NM_004646.3).
Identifiers: ClinVar variation 1124570 (VCV001124570.10), dbSNP rs759045644, ClinGen allele CA9389993.

ClinVar aggregate classification (germline): Likely benign. Review status: criteria provided, single submitter (1 of 4 stars). 2 submissions from 2 submitters: Likely benign (1). 1 of the submissions does not count toward it. Last evaluated 2024-01-07.

Conditions:
NPHS1-related disorder. Also called: NPHS1-related condition.

Allele frequency attached by ClinVar (database versions not stated): gnomAD 0.00001; TOPMed 0.00002; gnomAD exomes 0.00004; ExAC 0.00005.

Submissions (2):

Labcorp Genetics (formerly Invitae), Labcorp
Classification: Likely benign. Last evaluated: 2024-01-07. Review status: criteria provided, single submitter. Criteria: Invitae Variant Classification Sherloc (09022015). Collection method: clinical testing. Allele origin: germline.

PreventionGenetics, part of Exact Sciences
Classification: Likely benign for NPHS1-related condition. Last evaluated: 2024-05-17. Review status: no assertion criteria provided. Collection method: clinical testing. Allele origin: germline. Not counted in ClinVar's aggregate classification.
Comment: This variant is classified as likely benign based on ACMG/AMP sequence variant interpretation guidelines (Richards et al. 2015 PMID: 25741868, with internal and published modifications).